The following is an entry in ClinVar:

ClinVar aggregate classification (germline): Conflicting classifications of pathogenicity. Review status: criteria provided, conflicting classifications (1 of 4 stars). 17 submissions from 16 submitters: Uncertain significance (7); Benign (1); Likely benign (5). 4 of the submissions do not count toward it. Last evaluated 2026-06-01.

Conditions:
SYNE1-related disorder. Also called: SYNE1-related disorders; SYNE1-related disease; SYNE1-related condition.
Autosomal recessive ataxia, Beauce type. Also called: SYNE1-Related Autosomal Recessive Cerebellar Ataxia; ATAXIA, RECESSIVE, OF BEAUCE; SYNE1 Deficiency; Spinocerebellar ataxia, autosomal recessive 8. Identifiers: Orphanet 88644, MedGen C1853116, MONDO:0012549, OMIM 610743.
Emery-Dreifuss muscular dystrophy 4, autosomal dominant (EDMD4). Also called: EMERY-DREIFUSS MUSCULAR DYSTROPHY 4 WITH VARIABLE FEATURES. Identifiers: Orphanet 261, MedGen C2751807, MONDO:0013071, OMIM 612998.
Limb-girdle muscular dystrophy (LGMD). Also called: Muscular Dystrophies, Limb-Girdle. Identifiers: Orphanet 263, MedGen C0686353, MeSH D049288, MONDO:0016971, HP:0006785.
Intellectual disability. Also called: Intellectual developmental disorder; Intellectual functioning disability; intellectual disabilities. Identifiers: MedGen C3714756, MeSH D008607, MONDO:0001071, HP:0001249.

Allele frequency attached by ClinVar (database versions not stated): 1000 Genomes Project 30x 0.00016; 1000 Genomes Project 0.00020; TOPMed 0.00097; gnomAD 0.00099 and 0.00101; ESP Exome Variant Server 0.00108.
gnomAD v4.1: 2,329 of 1,614,090 alleles (0.14%); highest among the groups gnomAD compares: Non-Finnish European, 0.18%; 4 homozygotes.

Submissions (17):

CeGaT Center for Human Genetics Tuebingen
Classification: Likely benign. Last evaluated: 2026-06-01. Review status: criteria provided, single submitter. Criteria: CeGaT Center For Human Genetics Tuebingen Variant Classification Criteria Version 2. Collection method: clinical testing. Allele origin: germline. Affected: yes. Observed: 11 variant alleles.
Comment: SYNE1: BS2

Labcorp Genetics (formerly Invitae), Labcorp
Classification: Uncertain significance for Emery-Dreifuss muscular dystrophy 4, autosomal dominant; Autosomal recessive ataxia, Beauce type. Last evaluated: 2025-12-26. Review status: criteria provided, single submitter. Criteria: Invitae Variant Classification Sherloc (09022015). Collection method: clinical testing. Allele origin: germline.
Comment: This sequence change replaces serine, which is neutral and polar, with proline, which is neutral and non-polar, at codon 5872 of the SYNE1 protein (p.Ser5872Pro). This variant is present in population databases (rs147998933, gnomAD 0.1%), and has an allele count higher than expected for a pathogenic variant. This missense change has been observed in individual(s) with adult-onset ataxia and myoclonic epilepsy (PMID: 31692161). ClinVar contains an entry for this variant (Variation ID: 199227). An algorithm developed to predict the effect of missense changes on protein structure and function (PolyPhen-2) suggests that this variant is likely to be disruptive. In summary, the available evidence is currently insufficient to determine the role of this variant in disease. Therefore, it has been classified as a Variant of Uncertain Significance.

Women's Health and Genetics/Laboratory Corporation of America, LabCorp
Classification: Uncertain significance. Last evaluated: 2025-10-08. Review status: criteria provided, single submitter. Criteria: LabCorp Variant Classification Summary - May 2015. Collection method: clinical testing. Allele origin: germline.
Comment: Variant summary: SYNE1 c.17614T>C (p.Ser5872Pro) results in a non-conservative amino acid change in the encoded protein sequence. Algorithms developed to predict the effect of missense changes on protein structure and function are either unavailable or do not agree on the potential impact of this missense change. The variant allele was found at a frequency of 0.00077 in 251474 control chromosomes in the gnomAD database, including 1 homozygotes. This frequency is not significantly higher than estimated for disease-causing variants in SYNE1, allowing no conclusion about variant significance. c.17614T>C has been observed in an individual affected with Ataxia and Myoclonic epilepsy (Ngo_2020) without strong evidence for causality. These report(s) do not provide unequivocal conclusions about association of the variant with Emery-Dreifuss muscular dystrophy 4, autosomal dominant. To our knowledge, no experimental evidence demonstrating an impact on protein function has been reported. The following publication have been ascertained in the context of this evaluation (PMID: 31692161). ClinVar contains an entry for this variant (Variation ID: 199227). Based on the evidence outlined above, the variant was classified as uncertain significance.

Athena Diagnostics
Classification: Likely benign. Last evaluated: 2025-09-17. Review status: criteria provided, single submitter. Criteria: Athena Diagnostics Criteria. Collection method: clinical testing. Allele origin: unknown.
Comment: The frequency of this variant in the general population is higher than would generally be expected for pathogenic variants in this gene.

Blueprint Genetics
Classification: Likely benign. Last evaluated: 2024-11-15. Review status: criteria provided, single submitter. Criteria: ACMG Guidelines, 2015. Collection method: clinical testing. Allele origin: germline.

Revvity Omics, Revvity
Classification: Likely benign. Last evaluated: 2023-09-14. Review status: criteria provided, single submitter. Criteria: ACMG Guidelines, 2015. Collection method: clinical testing. Allele origin: germline.

GeneDx
Classification: Uncertain significance. Last evaluated: 2023-06-16. Review status: criteria provided, single submitter. Criteria: GeneDx Variant Classification Process June 2021. Collection method: clinical testing. Allele origin: germline. Affected: yes.
Comment: Reported previously as a variant of uncertain significance in a patient with sporadic adult-onset cerebellar ataxia (Ngo et al., 2020); In silico analysis supports that this missense variant has a deleterious effect on protein structure/function; This variant is associated with the following publications: (PMID: 31692161)

Mayo Clinic Laboratories, Mayo Clinic
Classification: Uncertain significance. Last evaluated: 2021-04-13. Review status: criteria provided, single submitter. Criteria: ACMG Guidelines, 2015. Collection method: clinical testing. Allele origin: germline.

ARUP Laboratories, Molecular Genetics and Genomics, ARUP Laboratories
Classification: Uncertain significance. Last evaluated: 2019-08-13. Review status: criteria provided, single submitter. Criteria: ARUP Molecular Germline Variant Investigation Process. Collection method: clinical testing. Allele origin: germline.
Comment: The SYNE1 c.17614T>C; p.Ser5872Pro variant (rs147998933), to our knowledge, is not reported in the medical literature but is reported in ClinVar (Variation ID: 199227). This variant is found in the non-Finnish European population with an overall allele frequency of 0.15% (185/126706 alleles) in the Genome Aggregation Database. The serine at codon 5872 is highly conserved, but computational analyses (SIFT: tolerated, PolyPhen-2: damaging) predict conflicting effects of this variant on protein structure/function. Due to limited information, the clinical significance of the p.Ser5872Pro variant is uncertain at this time.

Cambridge Genomics Laboratory, East Genomic Laboratory Hub, NHS Genomic Medicine Service
Classification: Likely benign for Limb-girdle muscular dystrophy. Last evaluated: 2019-04-17. Review status: criteria provided, single submitter. Criteria: ACGS Best Practice Guidelines for Variant Classification in Rare Disease 2020. Collection method: clinical testing. Allele origin: germline. Affected: yes. Observed: 1 variant allele.

Illumina Laboratory Services, Illumina
Classification: Uncertain significance for Autosomal recessive ataxia, Beauce type. Last evaluated: 2018-01-13. Review status: criteria provided, single submitter. Criteria: ICSL Variant Classification Criteria 13 December 2019. Collection method: clinical testing. Allele origin: germline.

Illumina Laboratory Services, Illumina
Classification: Benign for Emery-Dreifuss muscular dystrophy 4, autosomal dominant. Last evaluated: 2018-01-13. Review status: criteria provided, single submitter. Criteria: ICSL Variant Classification Criteria 13 December 2019. Collection method: clinical testing. Allele origin: germline.
Comment: This variant was observed in the ICSL laboratory as part of a predisposition screen in an ostensibly healthy population. It had not been previously curated by ICSL or reported in the Human Gene Mutation Database (HGMD: prior to June 1st, 2018), and was therefore a candidate for classification through an automated scoring system. Utilizing variant allele frequency, disease prevalence and penetrance estimates, and inheritance mode, an automated score was calculated to assess if this variant is too frequent to cause the disease. Based on the score and internal cut-off values, a variant classified as benign is not then subjected to further curation. The score for this variant resulted in a classification of benign for this disease.

Eurofins Ntd Llc (ga)
Classification: Uncertain significance. Last evaluated: 2018-01-11. Review status: criteria provided, single submitter. Criteria: EGL Classification Definitions 2015. Collection method: clinical testing. Allele origin: germline. Observed: 19 variant alleles, 19 heterozygotes.

PreventionGenetics, part of Exact Sciences
Classification: Likely benign for SYNE1-related condition. Last evaluated: 2022-02-17. Review status: no assertion criteria provided. Collection method: clinical testing. Allele origin: germline. Not counted in ClinVar's aggregate classification.
Comment: This variant is classified as likely benign based on ACMG/AMP sequence variant interpretation guidelines (Richards et al. 2015 PMID: 25741868, with internal and published modifications).

Centre de Biologie Pathologie Génétique, Centre Hospitalier Universitaire de Lille
Classification: Likely benign for Intellectual disability. Last evaluated: 2019-01-01. Review status: no assertion criteria provided. Collection method: clinical testing. Allele origin: inherited. Affected: yes. Not counted in ClinVar's aggregate classification.

Clinical Genetics DNA and cytogenetics Diagnostics Lab, Erasmus MC, Erasmus Medical Center
Classification: Uncertain significance. Review status: no assertion criteria provided. Collection method: clinical testing. Allele origin: germline. Affected: yes. Study: VKGL Data-share Consensus. Not counted in ClinVar's aggregate classification.

Diagnostic Laboratory, Department of Genetics, University Medical Center Groningen
Classification: Uncertain significance. Review status: no assertion criteria provided. Collection method: clinical testing. Allele origin: germline. Affected: yes. Study: VKGL Data-share Consensus. Not counted in ClinVar's aggregate classification.

Literature cited by the submitters: PubMed 31692161 (cited by 3 submitters).

NM_182961.4(SYNE1):c.17827T>C (p.Ser5943Pro)

Gene: SYNE1 (spectrin repeat containing nuclear envelope protein 1; minus strand). Cytogenetic location: 6q25.2.
Variant type: single nucleotide variant.
Coding change: c.17827T>C on transcript NM_182961.4 (MANE Select); coding-DNA position 17827, T replaced by C.
Protein change: p.Ser5943Pro; replaces serine 5943 with proline.
Molecular consequence: missense variant.
Genome position (GRCh38, 1-based): chr6:152,293,983, A>G on the plus strand (T>C on the coding strand, the complement: SYNE1 is on the minus strand). VCF-style: chr6-152293983-A-G. GRCh37 (hg19) VCF-style: chr6-152615118-A-G.
Other names: p.Ser5872Pro; c.17614T>C, p.Ser5872Pro (NM_033071.5); short protein forms S5872P, S5943P.
Identifiers: ClinVar variation 199227 (VCV000199227.80), dbSNP rs147998933, ClinGen allele CA248323.